The following is an entry in ClinVar:

ClinVar aggregate classification (germline): Uncertain significance. Review status: criteria provided, multiple submitters, no conflicts (2 of 4 stars). 3 submissions from 3 submitters: Uncertain significance (3). Last evaluated 2024-04-29.

Conditions:
Hereditary cancer-predisposing syndrome. Also called: Neoplastic Syndromes, Hereditary; Tumor predisposition; Hereditary Cancer Syndrome; Hereditary neoplastic syndrome. Identifiers: Orphanet 140162, MedGen C0027672, MeSH D009386, MONDO:0015356.
Familial adenomatous polyposis 1 (FAP1). Also called: FAMILIAL ADENOMATOUS POLYPOSIS 1, ATTENUATED; POLYPOSIS, ADENOMATOUS INTESTINAL. Identifiers: MedGen C2713442, MONDO:0021056, OMIM 175100. Disease mechanism: loss of function.

Submissions (3):

Labcorp Genetics (formerly Invitae), Labcorp
Classification: Uncertain significance for Familial adenomatous polyposis 1. Last evaluated: 2024-04-29. Review status: criteria provided, single submitter. Criteria: Invitae Variant Classification Sherloc (09022015). Collection method: clinical testing. Allele origin: germline.
Comment: This sequence change replaces serine, which is neutral and polar, with proline, which is neutral and non-polar, at codon 2533 of the APC protein (p.Ser2533Pro). This variant is not present in population databases (gnomAD no frequency). This variant has not been reported in the literature in individuals affected with APC-related conditions. ClinVar contains an entry for this variant (Variation ID: 919745). Advanced modeling of protein sequence and biophysical properties (such as structural, functional, and spatial information, amino acid conservation, physicochemical variation, residue mobility, and thermodynamic stability) performed at Invitae indicates that this missense variant is not expected to disrupt APC protein function with a negative predictive value of 95%. In summary, the available evidence is currently insufficient to determine the role of this variant in disease. Therefore, it has been classified as a Variant of Uncertain Significance.

Color Diagnostics, LLC DBA Color Health
Classification: Uncertain significance for Hereditary cancer-predisposing syndrome. Last evaluated: 2024-03-07. Review status: criteria provided, single submitter. Criteria: ACMG Guidelines, 2015. Collection method: clinical testing. Allele origin: germline.
Comment: This missense variant replaces serine with proline at codon 2533 of the APC protein. Computational prediction is inconclusive regarding the impact of this variant on protein structure and function (internally defined REVEL score threshold 0.5 < inconclusive < 0.7, PMID: 27666373). Splice site prediction tools suggest that this variant may not impact RNA splicing. To our knowledge, functional studies have not been reported for this variant. This variant has not been reported in individuals affected with hereditary cancer in the literature. This variant has not been identified in the general population by the Genome Aggregation Database (gnomAD). The available evidence is insufficient to determine the role of this variant in disease conclusively. Therefore, this variant is classified as a Variant of Uncertain Significance.

Ambry Genetics
Classification: Uncertain significance for Hereditary cancer-predisposing syndrome. Last evaluated: 2021-02-18. Review status: criteria provided, single submitter. Criteria: Ambry Variant Classification Scheme 2023. Collection method: clinical testing. Allele origin: germline.
Comment: The p.S2533P variant (also known as c.7597T>C), located in coding exon 15 of the APC gene, results from a T to C substitution at nucleotide position 7597. The serine at codon 2533 is replaced by proline, an amino acid with similar properties. This amino acid position is well conserved in available vertebrate species. In addition, in silico predictors for this gene do not accurately predict pathogenicity. Since supporting evidence is limited at this time, the clinical significance of this alteration remains unclear.

NM_000038.6(APC):c.7597T>C (p.Ser2533Pro)

Gene: APC (APC regulator of Wnt signaling pathway; plus strand). Cytogenetic location: 5q22.2.
Variant type: single nucleotide variant.
Coding change: c.7597T>C on transcript NM_000038.6 (MANE Select); coding-DNA position 7597, T replaced by C.
Protein change: p.Ser2533Pro; replaces serine 2533 with proline.
Molecular consequence: missense variant.
Genome position (GRCh38, 1-based): chr5:112,843,191, T>C. VCF-style: chr5-112843191-T-C. GRCh37 (hg19) VCF-style: chr5-112178888-T-C.
Other names: c.7597T>C, p.Ser2533Pro (NM_001127510.3, NM_001354895.2); c.7543T>C, p.Ser2515Pro (NM_001127511.3); c.7651T>C, p.Ser2551Pro (NM_001354896.2); c.7627T>C, p.Ser2543Pro (NM_001354897.2); c.7522T>C, p.Ser2508Pro (NM_001354898.2); c.7513T>C, p.Ser2505Pro (NM_001354899.2); c.7474T>C, p.Ser2492Pro (NM_001354900.2); c.7420T>C, p.Ser2474Pro (NM_001354901.2); and 5 more; short protein forms S2250P, S2515P, S2533P, S2407P, S2432P, S2508P, S2543P, S2551P.
Identifiers: ClinVar variation 919745 (VCV000919745.14), dbSNP rs1766519760, ClinGen allele CA16037834.